The following is an entry in ClinVar:

NM_199420.4(POLQ):c.7685T>C (p.Met2562Thr)

Gene: POLQ (DNA polymerase theta; minus strand). Cytogenetic location: 3q13.33.
Variant type: single nucleotide variant.
Coding change: c.7685T>C on transcript NM_199420.4 (MANE Select); coding-DNA position 7685, T replaced by C.
Protein change: p.Met2562Thr; replaces methionine 2562 with threonine.
Molecular consequence: missense variant.
Genome position (GRCh38, 1-based): chr3:121,432,392, A>G on the plus strand (T>C on the coding strand, the complement: POLQ is on the minus strand). VCF-style: chr3-121432392-A-G. GRCh37 (hg19) VCF-style: chr3-121151239-A-G.
Other names: short protein forms M2562T.
Identifiers: ClinVar variation 1760128 (VCV001760128.2), dbSNP rs2047501727, ClinGen allele CA354093075.

ClinVar aggregate classification (germline): Uncertain significance (1 of 4 stars; one submission).

Allele frequency attached by ClinVar (database versions not stated): TOPMed below 0.00001; gnomAD exomes 0.00001.
gnomAD v4.1: 11 of 1,608,572 alleles (0.00068%); highest among the groups gnomAD compares: Non-Finnish European, 0.00076%; no homozygotes.

Submission:

Ambry Genetics
Classification: Uncertain significance. Last evaluated: 2024-01-31. Review status: criteria provided, single submitter. Criteria: Ambry Variant Classification Scheme 2023. Collection method: clinical testing. Allele origin: germline.
Comment: The p.M2562T variant (also known as c.7685T>C), located in coding exon 30 of the POLQ gene, results from a T to C substitution at nucleotide position 7685. The methionine at codon 2562 is replaced by threonine, an amino acid with similar properties. This amino acid position is conserved. In addition, this alteration is predicted to be deleterious by in silico analysis. Since supporting evidence is limited at this time, the clinical significance of this alteration remains unclear.